The following is an entry in ClinVar:

NM_015102.5(NPHP4):c.3997-7T>A

Gene: NPHP4 (nephrocystin 4; minus strand). Cytogenetic location: 1p36.31.
Variant type: single nucleotide variant.
Coding change: c.3997-7T>A on transcript NM_015102.5 (MANE Select); 7 bases into the intron before coding-DNA position 3997, T replaced by A.
Molecular consequence: intron variant.
Genome position (GRCh38, 1-based): chr1:5,864,040, A>T on the plus strand (T>A on the coding strand, the complement: NPHP4 is on the minus strand). VCF-style: chr1-5864040-A-T. GRCh37 (hg19) VCF-style: chr1-5924100-A-T.
Other names: c.3997-7T>A (NM_015102.4); c.2461-7T>A (NM_001291594.2); c.2458-7T>A (NM_001291593.2).
Identifiers: ClinVar variation 2710885 (VCV002710885.4), dbSNP rs1557578949, ClinGen allele CA1151209315.

ClinVar aggregate classification (germline): Conflicting classifications of pathogenicity. Review status: criteria provided, conflicting classifications (1 of 4 stars). 2 submissions from 2 submitters: Uncertain significance (1); Likely benign (1). Last evaluated 2026-01-06.

Conditions:
Nephronophthisis. Also called: Juvenile Nephronophthisis. Identifiers: Orphanet 655, MedGen C0687120, MONDO:0019005, HP:0000090.
NPHP4-related disorder. Also called: NPHP4-related disorders; NPHP4-related condition. Identifiers: MedGen CN239384.

gnomAD v4.1: 1 of 1,612,566 alleles (0.000062%); no homozygotes.

Submissions (2):

PreventionGenetics, part of Exact Sciences
Classification: Uncertain significance for NPHP4-related condition. Last evaluated: 2026-01-06. Review status: criteria provided, single submitter. Criteria: ACMG Guidelines, 2015. Collection method: clinical testing. Allele origin: germline.
Comment: The NPHP4 c.3997-7T>A variant is predicted to interfere with splicing. This variant is predicted to alter splicing based on available splicing prediction programs (Alamut Visual Plus v1.6.1). However, the use of computer prediction programs is not equivalent to functional evidence. To our knowledge, this variant has not been reported in the literature or in a large population database (gnomAD), indicating this variant is rare. At this time, the clinical significance of this variant is uncertain due to the absence of conclusive functional and genetic evidence.

Labcorp Genetics (formerly Invitae), Labcorp
Classification: Likely benign for Nephronophthisis. Last evaluated: 2025-03-07. Review status: criteria provided, single submitter. Criteria: Invitae Variant Classification Sherloc (09022015). Collection method: clinical testing. Allele origin: germline.